The following is an entry in ClinVar:

ClinVar aggregate classification (germline): Uncertain significance (1 of 4 stars; one submission).

Submission:

Labcorp Genetics (formerly Invitae), Labcorp
Classification: Uncertain significance. Last evaluated: 2025-08-15. Review status: criteria provided, single submitter. Criteria: Invitae Variant Classification Sherloc (09022015). Collection method: clinical testing. Allele origin: germline.
Comment: This sequence change replaces proline, which is neutral and non-polar, with serine, which is neutral and polar, at codon 154 of the CBX2 protein (p.Pro154Ser). This variant is not present in population databases (gnomAD no frequency). This missense change has been observed in individual(s) with congenital heart defect (PMID: 35885997). Invitae Evidence Modeling of protein sequence and biophysical properties (such as structural, functional, and spatial information, amino acid conservation, physicochemical variation, residue mobility, and thermodynamic stability) indicates that this missense variant is expected to disrupt CBX2 protein function with a positive predictive value of 80%. In summary, the available evidence is currently insufficient to determine the role of this variant in disease. Therefore, it has been classified as a Variant of Uncertain Significance.

Literature cited by the submitters: PubMed 35885997.

NM_005189.3(CBX2):c.460C>T (p.Pro154Ser)

Gene: CBX2 (chromobox 2; plus strand). Cytogenetic location: 17q25.3.
Variant type: single nucleotide variant.
Coding change: c.460C>T on transcript NM_005189.3 (MANE Select); coding-DNA position 460, C replaced by T.
Protein change: p.Pro154Ser; replaces proline 154 with serine.
Molecular consequence: missense variant.
Genome position (GRCh38, 1-based): chr17:79,783,903, C>T. VCF-style: chr17-79783903-C-T. GRCh37 (hg19) VCF-style: chr17-77757702-C-T.
Other names: short protein forms P154S.
Identifiers: ClinVar variation 4782047 (VCV004782047.1).